The following is an entry in ClinVar:

NM_201384.3(PLEC):c.6674A>G (p.Gln2225Arg)

Gene: PLEC (plectin; minus strand). Cytogenetic location: 8q24.3.
Variant type: single nucleotide variant.
Coding change: c.6674A>G on transcript NM_201384.3 (MANE Select); coding-DNA position 6674, A replaced by G.
Protein change: p.Gln2225Arg; replaces glutamine 2225 with arginine.
Molecular consequence: missense variant. On other transcripts: intron variant (1).
Genome position (GRCh38, 1-based): chr8:143,923,255, T>C on the plus strand (A>G on the coding strand, the complement: PLEC is on the minus strand). VCF-style: chr8-143923255-T-C. GRCh37 (hg19) VCF-style: chr8-144997423-T-C.
Other names: c.6755A>G, p.Gln2252Arg (NM_000445.5); c.6632A>G, p.Gln2211Arg (NM_201378.4); c.6608A>G, p.Gln2203Arg (NM_201379.3); c.7085A>G, p.Gln2362Arg (NM_201380.4); c.6578A>G, p.Gln2193Arg (NM_201381.3); c.6674A>G, p.Gln2225Arg (NM_201382.4); c.6686A>G, p.Gln2229Arg (NM_201383.3); c.4126-860A>G (NM_001410941.1); short protein forms Q2193R, Q2229R, Q2252R, Q2362R, Q2203R, Q2211R, Q2225R.
Identifiers: ClinVar variation 4787025 (VCV004787025.1).
Genomic context (GRCh38, chr8:143,923,255, plus strand): 5'-GCCTTGAGCTTGCTCAGCTCCTCCATCTGCACGCGCACCGAGAAGAGCTCCTCCTCCACC[T>C]GGCTGCGCTGGCGTGCGGCCTCCGTGGCCTCCGCCTTCAGCCGCTGCAGCTCCTCGTCCA-3'
Protein context (NP_958786.1, residues 2215-2235): EATEAARQRS[Gln2225Arg]VEEELFSVRV

ClinVar aggregate classification (germline): Uncertain significance (1 of 4 stars; one submission).

Conditions:
Epidermolysis bullosa simplex with nail dystrophy (EBS5D). Identifiers: MedGen C4225309, MONDO:0014661, OMIM 616487.
Epidermolysis bullosa simplex, Ogna type (EBS5A). Also called: EPIDERMOLYSIS BULLOSA SIMPLEX 5A, OGNA TYPE; Pidermolysis bullosa simplex 5A, Ogna type. Identifiers: Orphanet 79401, MedGen C0432317, MONDO:0007555, OMIM 131950.
Autosomal recessive limb-girdle muscular dystrophy type 2Q (LGMDR17). Also called: MUSCULAR DYSTROPHY, LIMB-GIRDLE, AUTOSOMAL RECESSIVE 17. Identifiers: Orphanet 254361, MedGen C3150989, MONDO:0013390, OMIM 613723.
Epidermolysis bullosa simplex 5B, with muscular dystrophy (EBS5B). Also called: EPIDERMOLYSIS BULLOSA SIMPLEX AND LIMB-GIRDLE MUSCULAR DYSTROPHY; Epidermolysis bullosa simplex with muscular dystrophy. Identifiers: Orphanet 257, MedGen C2931072, MONDO:0009181, OMIM 226670.
Epidermolysis bullosa simplex 5C, with pyloric atresia (EBS5C). Also called: PLEC-Related Epidermolysis Bullosa with Pyloric Atresia; Epidermolysis bullosa simplex with pyloric atresia; PLEC1-Related Epidermolysis Bullosa with Pyloric Atresia. Identifiers: Orphanet 158684, MedGen C2677349, MONDO:0012807, OMIM 612138.

Submission:

Labcorp Genetics (formerly Invitae), Labcorp
Classification: Uncertain significance for Autosomal recessive limb-girdle muscular dystrophy type 2Q; Epidermolysis bullosa simplex, Ogna type; Epidermolysis bullosa simplex with nail dystrophy; Epidermolysis bullosa simplex 5C, with pyloric atresia; Epidermolysis bullosa simplex 5B, with muscular dystrophy. Last evaluated: 2025-12-15. Review status: criteria provided, single submitter. Criteria: Invitae Variant Classification Sherloc (09022015). Collection method: clinical testing. Allele origin: germline.
Comment: This sequence change replaces glutamine, which is neutral and polar, with arginine, which is basic and polar, at codon 2252 of the PLEC protein (p.Gln2252Arg). This variant is not present in population databases (gnomAD no frequency). This variant has not been reported in the literature in individuals affected with PLEC-related conditions. An algorithm developed to predict the effect of missense changes on protein structure and function outputs the following: PolyPhen-2: "Probably Damaging". The arginine amino acid residue is found in multiple mammalian species, which suggests that this missense change does not adversely affect protein function. In summary, the available evidence is currently insufficient to determine the role of this variant in disease. Therefore, it has been classified as a Variant of Uncertain Significance.